The following is an entry in ClinVar:

NM_002335.4(LRP5):c.2721G>A (p.Met907Ile)

Gene: LRP5 (LDL receptor related protein 5; plus strand). Cytogenetic location: 11q13.2.
Variant type: single nucleotide variant.
Coding change: c.2721G>A on transcript NM_002335.4 (MANE Select); coding-DNA position 2721, G replaced by A.
Protein change: p.Met907Ile; replaces methionine 907 with isoleucine.
Molecular consequence: missense variant.
Genome position (GRCh38, 1-based): chr11:68,413,906, G>A. VCF-style: chr11-68413906-G-A. GRCh37 (hg19) VCF-style: chr11-68181374-G-A.
Other names: c.978G>A, p.Met326Ile (NM_001291902.2); c.2721G>A (NM_002335.2); short protein forms M326I, M907I.
Identifiers: ClinVar variation 1715058 (VCV001715058.6), dbSNP rs757489082, ClinGen allele CA6149720.

ClinVar aggregate classification (germline): Uncertain significance. Review status: criteria provided, multiple submitters, no conflicts (2 of 4 stars). 2 submissions from 2 submitters: Uncertain significance (2). Last evaluated 2023-10-19.

Allele frequency attached by ClinVar (database versions not stated): gnomAD exomes below 0.00001; ExAC 0.00001.
gnomAD v4.1: 1 of 1,612,710 alleles (0.000062%); highest among the groups gnomAD compares: Non-Finnish European, 0.000085%; no homozygotes.

Submissions (2):

GeneDx
Classification: Uncertain significance. Last evaluated: 2023-10-19. Review status: criteria provided, single submitter. Criteria: GeneDx Variant Classification Process June 2021. Collection method: clinical testing. Allele origin: germline. Affected: yes.
Comment: Not observed at significant frequency in large population cohorts (gnomAD); In silico analysis supports that this missense variant does not alter protein structure/function; Has not been previously published as pathogenic or benign to our knowledge

Labcorp Genetics (formerly Invitae), Labcorp
Classification: Uncertain significance. Last evaluated: 2022-08-19. Review status: criteria provided, single submitter. Criteria: Invitae Variant Classification Sherloc (09022015). Collection method: clinical testing. Allele origin: germline.
Comment: This sequence change replaces methionine, which is neutral and non-polar, with isoleucine, which is neutral and non-polar, at codon 907 of the LRP5 protein (p.Met907Ile). This variant is present in population databases (rs757489082, gnomAD 0.0009%). In summary, the available evidence is currently insufficient to determine the role of this variant in disease. Therefore, it has been classified as a Variant of Uncertain Significance. Advanced modeling of protein sequence and biophysical properties (such as structural, functional, and spatial information, amino acid conservation, physicochemical variation, residue mobility, and thermodynamic stability) performed at Invitae indicates that this missense variant is not expected to disrupt LRP5 protein function. This variant has not been reported in the literature in individuals affected with LRP5-related conditions.